The following is an entry in ClinVar:

NM_001039591.3(USP9X):c.384C>A (p.Phe128Leu)

Gene: USP9X (ubiquitin specific peptidase 9 X-linked; plus strand). Cytogenetic location: Xp11.4.
Variant type: single nucleotide variant.
Coding change: c.384C>A on transcript NM_001039591.3 (MANE Select); coding-DNA position 384, C replaced by A.
Protein change: p.Phe128Leu; replaces phenylalanine 128 with leucine.
Molecular consequence: missense variant.
Genome position (GRCh38, 1-based): chrX:41,134,786, C>A. VCF-style: chrX-41134786-C-A. GRCh37 (hg19) VCF-style: chrX-40994039-C-A.
Other names: c.384C>A, p.Phe128Leu (NM_001039590.3, NM_001410748.1, NM_001410749.1 and 1 more transcripts); short protein forms F128L.
Identifiers: ClinVar variation 4976387 (VCV004976387.1).

ClinVar aggregate classification (germline): Uncertain significance (1 of 4 stars; one submission).

Submission:

GeneDx
Classification: Uncertain significance. Last evaluated: 2026-02-09. Review status: criteria provided, single submitter. Criteria: GeneDx Variant Classification Process June 2021. Collection method: clinical testing. Allele origin: germline.
Comment: Not observed at significant frequency in large population cohorts (gnomAD); In silico analysis supports that this missense variant has a deleterious effect on protein structure/function; Has not been previously published as pathogenic or benign to our knowledge